The following is an entry in ClinVar:

NM_000824.5(GLRB):c.-16A>T

Gene: GLRB (glycine receptor beta; plus strand). Cytogenetic location: 4q32.1.
Variant type: single nucleotide variant.
Coding change: c.-16A>T on transcript NM_000824.5 (MANE Select); 16 bases upstream of the start codon, A replaced by T.
Molecular consequence: 5 prime UTR variant.
Genome position (GRCh38, 1-based): chr4:157,078,009, A>T. VCF-style: chr4-157078009-A-T. GRCh37 (hg19) VCF-style: chr4-157999161-A-T.
Other names: c.-16A>T (NM_001166060.2, NM_001166061.2).
Identifiers: ClinVar variation 347914 (VCV000347914.7), dbSNP rs57784760, ClinGen allele CA3119632.

ClinVar aggregate classification (germline): Benign. Review status: criteria provided, multiple submitters, no conflicts (2 of 4 stars). 3 submissions from 3 submitters: Benign (3). Last evaluated 2021-05-12.

Conditions:
Hyperekplexia 2 (HKPX2). Identifiers: Orphanet 3197, MedGen C3553291, MONDO:0013828, OMIM 614619.

Allele frequency attached by ClinVar (database versions not stated): gnomAD exomes 0.01320; ExAC 0.01508; gnomAD 0.02426 and 0.02538; 1000 Genomes Project 0.02676; TOPMed 0.02725; 1000 Genomes Project 30x 0.02764; ESP Exome Variant Server 0.02770.
gnomAD v4.1: 20,863 of 1,602,382 alleles (1.3%); highest among the groups gnomAD compares: African/African-American, 5.9%; 278 homozygotes.

Submissions (3):

GeneDx
Classification: Benign. Last evaluated: 2021-05-12. Review status: criteria provided, single submitter. Criteria: GeneDx Variant Classification Process June 2021. Collection method: clinical testing. Allele origin: germline. Affected: yes.

Illumina Laboratory Services, Illumina
Classification: Benign for Hyperekplexia 2. Last evaluated: 2018-01-12. Review status: criteria provided, single submitter. Criteria: ICSL Variant Classification Criteria 13 December 2019. Collection method: clinical testing. Allele origin: germline.
Comment: This variant was observed in the ICSL laboratory as part of a predisposition screen in an ostensibly healthy population. It had not been previously curated by ICSL or reported in the Human Gene Mutation Database (HGMD: prior to June 1st, 2018), and was therefore a candidate for classification through an automated scoring system. Utilizing variant allele frequency, disease prevalence and penetrance estimates, and inheritance mode, an automated score was calculated to assess if this variant is too frequent to cause the disease. Based on the score and internal cut-off values, a variant classified as benign is not then subjected to further curation. The score for this variant resulted in a classification of benign for this disease.

Breakthrough Genomics
Classification: Benign. Review status: criteria provided, single submitter. Criteria: ACMG Guidelines, 2015. Collection method: not provided. Allele origin: germline. Inheritance: Autosomal recessive inheritance. Affected: yes.